The following is an entry in ClinVar:

NM_080680.3(COL11A2):c.1179+8A>T

Gene: COL11A2 (collagen type XI alpha 2 chain; minus strand). Cytogenetic location: 6p21.32.
Variant type: single nucleotide variant.
Coding change: c.1179+8A>T on transcript NM_080680.3 (MANE Select); 8 bases into the intron after coding-DNA position 1179, A replaced by T.
Molecular consequence: intron variant.
Genome position (GRCh38, 1-based): chr6:33,181,103, T>A on the plus strand (A>T on the coding strand, the complement: COL11A2 is on the minus strand). VCF-style: chr6-33181103-T-A. GRCh37 (hg19) VCF-style: chr6-33148880-T-A.
Other names: c.858+8A>T (NM_080679.3); c.921+8A>T (NM_080681.3).
Identifiers: ClinVar variation 505079 (VCV000505079.13), dbSNP rs773318336, ClinGen allele CA3751445.

ClinVar aggregate classification (germline): Likely benign. Review status: criteria provided, multiple submitters, no conflicts (2 of 4 stars). 3 submissions from 3 submitters: Likely benign (3). Last evaluated 2026-02-04.

Allele frequency attached by ClinVar (database versions not stated): ExAC 0.00001; gnomAD exomes 0.00002 and 0.00004; gnomAD 0.00009 and 0.00010; TOPMed 0.00018.
gnomAD v4.1: 54 of 1,614,086 alleles (0.0033%); highest among the groups gnomAD compares: Admixed American, 0.037%; 1 homozygote.

Submissions (3):

Labcorp Genetics (formerly Invitae), Labcorp
Classification: Likely benign. Last evaluated: 2026-02-04. Review status: criteria provided, single submitter. Criteria: Invitae Variant Classification Sherloc (09022015). Collection method: clinical testing. Allele origin: germline.

Blueprint Genetics
Classification: Likely benign. Last evaluated: 2024-10-31. Review status: criteria provided, single submitter. Criteria: ACMG Guidelines, 2015. Collection method: clinical testing. Allele origin: germline.

Laboratory for Molecular Medicine, Mass General Brigham Personalized Medicine
Classification: Likely benign. Last evaluated: 2016-06-02. Review status: criteria provided, single submitter. Criteria: LMM Criteria. Collection method: clinical testing. Allele origin: germline. Observed: 1 variant allele.
Comment: c.1179+8A>T in intron 9 of COL11A2: This variant is not expected to have clinica l significance because because it is not located within the splice consensus seq uence. It has been identified in 1/11578 of Latino chromosomes by the Exome Aggr egation Consortium (ExAC; dbSNP rs773318336).